The following is an entry in ClinVar:

NM_000135.4(FANCA):c.2567T>C (p.Leu856Ser)

Gene: FANCA (FA complementation group A; minus strand). Cytogenetic location: 16q24.3.
Variant type: single nucleotide variant.
Coding change: c.2567T>C on transcript NM_000135.4 (MANE Select); coding-DNA position 2567, T replaced by C.
Protein change: p.Leu856Ser; replaces leucine 856 with serine.
Molecular consequence: missense variant.
Genome position (GRCh38, 1-based): chr16:89,767,175, A>G on the plus strand (T>C on the coding strand, the complement: FANCA is on the minus strand). VCF-style: chr16-89767175-A-G. GRCh37 (hg19) VCF-style: chr16-89833583-A-G.
Other names: c.2567T>C (LRG_495t1); c.2567T>C, p.Leu856Ser (NM_001286167.3); short protein forms L856S.
Identifiers: ClinVar variation 134258 (VCV000134258.17), dbSNP rs370085403, ClinGen allele CA159284.

ClinVar aggregate classification (germline): Conflicting classifications of pathogenicity. Review status: criteria provided, conflicting classifications (1 of 4 stars). 7 submissions from 7 submitters: Uncertain significance (3); Likely benign (1). 3 of the submissions do not count toward it. Last evaluated 2024-10-04.

Conditions:
Inborn genetic diseases. Identifiers: MedGen C0950123, MeSH D030342.
FANCA-related disorder. Also called: FANCA-related condition.
Fanconi anemia (FA). Also called: Fanconi's anemia. Identifiers: Orphanet 84, MedGen C0015625, MeSH D005199, MONDO:0019391.
Fanconi anemia complementation group A (FANCA). Also called: Fanconi anemia, group A; FANCA-Related Fanconi Anemia. Identifiers: Orphanet 84, MedGen C3469521, MONDO:0009215, OMIM 227650.

Allele frequency attached by ClinVar (database versions not stated): TOPMed 0.00002; gnomAD 0.00004 and 0.00005; ESP Exome Variant Server 0.00008; gnomAD exomes 0.00008; ExAC 0.00012; 1000 Genomes Project 30x 0.00016; 1000 Genomes Project 0.00020.

Submissions (7):

Ambry Genetics
Classification: Uncertain significance for Inborn genetic diseases. Last evaluated: 2024-10-04. Review status: criteria provided, single submitter. Criteria: Ambry Variant Classification Scheme 2023. Collection method: clinical testing. Allele origin: germline.
Comment: The p.L856S variant (also known as c.2567T>C), located in coding exon 27 of the FANCA gene, results from a T to C substitution at nucleotide position 2567. The leucine at codon 856 is replaced by serine, an amino acid with dissimilar properties. This amino acid position is conserved. In addition, this alteration is predicted to be tolerated by in silico analysis. Based on the available evidence, the clinical significance of this variant remains unclear.

Labcorp Genetics (formerly Invitae), Labcorp
Classification: Likely benign for Fanconi anemia. Last evaluated: 2024-04-08. Review status: criteria provided, single submitter. Criteria: Invitae Variant Classification Sherloc (09022015). Collection method: clinical testing. Allele origin: germline.

PreventionGenetics, part of Exact Sciences
Classification: Uncertain significance for FANCA-related condition. Last evaluated: 2023-07-21. Review status: criteria provided, single submitter. Criteria: ACMG Guidelines, 2015. Collection method: clinical testing. Allele origin: germline.
Comment: The FANCA c.2567T>C variant is predicted to result in the amino acid substitution p.Leu856Ser. This variant has been detected by whole genome sequencing in a healthy cohort (Table S1, Bodian et al. 2014. PubMed ID: 24728327). This variant is reported in 0.065% of alleles in individuals of South Asian descent in gnomAD. Although we suspect that this variant may be benign, at this time, the clinical significance of this variant is uncertain due to the absence of conclusive functional and genetic evidence.

GeneDx
Classification: Uncertain significance. Last evaluated: 2020-01-23. Review status: criteria provided, single submitter. Criteria: GeneDx Variant Classification Process June 2021. Collection method: clinical testing. Allele origin: germline. Affected: yes.
Comment: In silico analysis, which includes protein predictors and evolutionary conservation, supports a deleterious effect; This variant is associated with the following publications: (PMID: 24728327)

Natera, Inc.
Classification: Uncertain significance for Fanconi anemia, group A. Last evaluated: 2020-09-16. Review status: no assertion criteria provided. Collection method: clinical testing. Allele origin: germline. Not counted in ClinVar's aggregate classification.

Counsyl
Classification: Uncertain significance for Fanconi anemia complementation group A. Last evaluated: 2017-07-19. Review status: no assertion criteria provided. Collection method: clinical testing. Allele origin: unknown. Not counted in ClinVar's aggregate classification.

ITMI
No classification provided. Condition: AllHighlyPenetrant. Last evaluated: 2013-09-19. Review status: no classification provided. Collection method: reference population. Allele origin: germline. Not counted in ClinVar's aggregate classification.
Comment: Please see associated publication for description of ethnicities

Literature cited by the submitters: PubMed 24728327 (cited by ITMI).